The following is an entry in ClinVar:

ClinVar aggregate classification (germline): Uncertain significance (1 of 4 stars; one submission).

Submission:

GeneDx
Classification: Uncertain significance. Last evaluated: 2026-09-23. Review status: criteria provided, single submitter. Criteria: GeneDx Variant Classification Process June 2021. Collection method: clinical testing. Allele origin: germline.
Comment: Not observed at significant frequency in large population cohorts (gnomAD); In-frame deletion of 1 amino acid(s) in a non-repeat region; In silico analysis supports a deleterious effect on protein structure/function; Has not been previously published as pathogenic or benign to our knowledge

NM_012082.4(ZFPM2):c.1672AAT[1] (p.Asn559del)

Genes: ZFPM2 (zinc finger protein, FOG family member 2; plus strand), ZFPM2-AS1 (ZFPM2 antisense RNA 1; minus strand). Cytogenetic location: 8q23.1.
Variant type: Microsatellite.
Coding change: c.1672AAT[1] on transcript NM_012082.4 (MANE Select); one copy of the 3-base unit AAT starting at c.1672; the reference has two copies in a row; one copy, 3 bases deleted.
Protein change: p.Asn559del; deletes asparagine 559.
Molecular consequence: inframe deletion.
Genome position (GRCh38, 1-based): chr8:105,801,757-105,801,759, AAT deleted; deleting any 3 consecutive bases within chr8:105,801,754-105,801,759 gives the same sequence; the position shown is the placement nearest the transcript's 3' end. VCF-style (leftmost placement, unchanged base first): chr8-105801753-CAAT-C. GRCh37 (hg19) VCF-style: chr8-106813981-CAAT-C.
Other names: c.1513AAT[1], p.Asn506del (NM_001362836.2); c.1276AAT[1], p.Asn427del (NM_001362837.2); short protein forms N427del, N506del, N559del.
Identifiers: ClinVar variation 1320815 (VCV001320815.3), dbSNP rs2131178384, ClinGen allele CA2579226009.